The following is an entry in ClinVar:

NM_033109.5(PNPT1):c.563T>C (p.Val188Ala)

Gene: PNPT1 (polyribonucleotide nucleotidyltransferase 1; minus strand). Cytogenetic location: 2p16.1.
Variant type: single nucleotide variant.
Coding change: c.563T>C on transcript NM_033109.5 (MANE Select); coding-DNA position 563, T replaced by C.
Protein change: p.Val188Ala; replaces valine 188 with alanine.
Molecular consequence: missense variant.
Genome position (GRCh38, 1-based): chr2:55,680,714, A>G on the plus strand (T>C on the coding strand, the complement: PNPT1 is on the minus strand). VCF-style: chr2-55680714-A-G. GRCh37 (hg19) VCF-style: chr2-55907849-A-G.
Other names: c.563T>C (NM_033109.3); short protein forms V188A.
Identifiers: ClinVar variation 1349957 (VCV001349957.4), dbSNP rs1240038968, ClinGen allele CA346938736.
Genomic context (GRCh38, chr2:55,680,714, plus strand): 5'-ACTACTTACTGAAAAAAAAAATACACATATGATTTCTTACTTTTAAATCCTAACTTACCA[A>G]CAGGTCCATTCCAAGGAATATCTGATAATGAGAGGGCTACGGAAGCTTAAAAAAGGAGAA-3'
Protein context (NP_149100.2, residues 178-198): SLSDIPWNGP[Val188Ala]GAVRIGIIDG

ClinVar aggregate classification (germline): Uncertain significance. Review status: criteria provided, multiple submitters, no conflicts (2 of 4 stars). 2 submissions from 2 submitters: Uncertain significance (2). Last evaluated 2025-10-29.

Conditions:
Inborn genetic diseases. Identifiers: MedGen C0950123, MeSH D030342.

Allele frequency attached by ClinVar (database versions not stated): gnomAD exomes 0.00001; gnomAD 0.00001; TOPMed 0.00001.
gnomAD v4.1: 24 of 1,611,942 alleles (0.0015%); highest among the groups gnomAD compares: Non-Finnish European, 0.002%; no homozygotes.

Submissions (2):

Ambry Genetics
Classification: Uncertain significance for Inborn genetic diseases. Last evaluated: 2025-10-29. Review status: criteria provided, single submitter. Criteria: Ambry Variant Classification Scheme 2023. Collection method: clinical testing. Allele origin: germline.

Labcorp Genetics (formerly Invitae), Labcorp
Classification: Uncertain significance. Last evaluated: 2022-10-25. Review status: criteria provided, single submitter. Criteria: Invitae Variant Classification Sherloc (09022015). Collection method: clinical testing. Allele origin: germline.
Comment: This sequence change replaces valine, which is neutral and non-polar, with alanine, which is neutral and non-polar, at codon 188 of the PNPT1 protein (p.Val188Ala). This variant is present in population databases (no rsID available, gnomAD 0.002%). This variant has not been reported in the literature in individuals affected with PNPT1-related conditions. ClinVar contains an entry for this variant (Variation ID: 1349957). Algorithms developed to predict the effect of missense changes on protein structure and function (SIFT, PolyPhen-2, Align-GVGD) all suggest that this variant is likely to be disruptive. In summary, the available evidence is currently insufficient to determine the role of this variant in disease. Therefore, it has been classified as a Variant of Uncertain Significance.